The following is an entry in ClinVar:

ClinVar aggregate classification (germline): Uncertain significance (1 of 4 stars; one submission).

Conditions:
BRCA2-related cancer predisposition. Identifiers: MedGen CN377758, MONDO:0700269.

gnomAD v4.1: 1 of 1,613,676 alleles (0.000062%); highest among the groups gnomAD compares: Non-Finnish European, 0.000085%; no homozygotes.

Submission:

All of Us Research Program, National Institutes of Health
Classification: Uncertain significance for BRCA2-related cancer predisposition. Last evaluated: 2024-07-10. Review status: criteria provided, single submitter. Criteria: ACMG Guidelines, 2015. Collection method: clinical testing. Allele origin: germline. Inheritance: Autosomal dominant inheritance. Observed: 1 variant allele, 1 heterozygote.
Comment: This missense variant replaces asparagine with aspartic acid at codon 2048 of the BRCA2 protein. Computational prediction suggests that this variant may not impact protein structure and function (internally defined REVEL score threshold <= 0.5, PMID: 27666373). To our knowledge, functional studies have not been reported for this variant. This variant has been detected in a breast cancer case-control meta-analysis in 0/60466 cases and 1/53461 unaffected individuals (PMID: 33471991; Leiden Open Variation Database DB-ID BRCA2_008414). This variant has not been identified in the general population by the Genome Aggregation Database (gnomAD). The available evidence is insufficient to determine the role of this variant in disease conclusively. Therefore, this variant is classified as a Variant of Uncertain Significance.

This study involves interpretation of variants in research participants for the purpose of population health screening. Participant phenotype was not available at the time of variant classification. Additional details can be found in publication PMID: 35346344, PMCID: PMC8962531

Literature cited by the submitters: PubMed 33471991.

NM_000059.4(BRCA2):c.6142A>G (p.Asn2048Asp)

Gene: BRCA2 (BRCA2 DNA repair associated; plus strand). Cytogenetic location: 13q13.1.
Variant type: single nucleotide variant.
Coding change: c.6142A>G on transcript NM_000059.4 (MANE Select); coding-DNA position 6142, A replaced by G.
Protein change: p.Asn2048Asp; replaces asparagine 2048 with aspartic acid.
Molecular consequence: missense variant. On other transcripts: non-coding transcript variant (1), intron variant (2).
Genome position (GRCh38, 1-based): chr13:32,340,497, A>G. VCF-style: chr13-32340497-A-G. GRCh37 (hg19) VCF-style: chr13-32914634-A-G.
Other names: c.6142A>G, p.Asn2048Asp (NM_001406719.1, NM_001406720.1, NM_001432077.1); c.1910-4061A>G (NM_001406721.1); c.425-4061A>G (NM_001406722.1); short protein forms N2048D.
Identifiers: ClinVar variation 3386252 (VCV003386252.1).